The following is an entry in ClinVar:

ClinVar aggregate classification (germline): Pathogenic (1 of 4 stars; one submission).

Conditions:
Developmental and epileptic encephalopathy 94 (DEE94). Also called: Epileptic encephalopathy, childhood-onset; CHD2-Related Neurodevelopmental Disorders. Identifiers: Orphanet 1942, Orphanet 2382, MedGen C3809278, MONDO:0014150, OMIM 615369.

Allele frequency attached by ClinVar (database versions not stated): gnomAD exomes below 0.00001.
gnomAD v4.1: 1 of 1,613,834 alleles (0.000062%); highest among the groups gnomAD compares: Non-Finnish European, 0.000085%; no homozygotes.

Submission:

Labcorp Genetics (formerly Invitae), Labcorp
Classification: Pathogenic for Developmental and epileptic encephalopathy 94. Last evaluated: 2024-04-18. Review status: criteria provided, single submitter. Criteria: Invitae Variant Classification Sherloc (09022015). Collection method: clinical testing. Allele origin: germline.
Comment: This sequence change replaces arginine, which is basic and polar, with proline, which is neutral and non-polar, at codon 1313 of the CHD2 protein (p.Arg1313Pro). This variant is not present in population databases (gnomAD no frequency). This missense change has been observed in individual(s) with clinical features of early onset epileptic encephalopathy (Invitae). In at least one individual the variant was observed to be de novo. ClinVar contains an entry for this variant (Variation ID: 944804). Advanced modeling of protein sequence and biophysical properties (such as structural, functional, and spatial information, amino acid conservation, physicochemical variation, residue mobility, and thermodynamic stability) has been performed at Invitae for this missense variant, however the output from this modeling did not meet the statistical confidence thresholds required to predict the impact of this variant on CHD2 protein function. For these reasons, this variant has been classified as Pathogenic.

NM_001271.4(CHD2):c.3938G>C (p.Arg1313Pro)

Gene: CHD2 (chromodomain helicase DNA binding protein 2; plus strand). Cytogenetic location: 15q26.1.
Variant type: single nucleotide variant.
Coding change: c.3938G>C on transcript NM_001271.4 (MANE Select); coding-DNA position 3938, G replaced by C.
Protein change: p.Arg1313Pro; replaces arginine 1313 with proline.
Molecular consequence: missense variant.
Genome position (GRCh38, 1-based): chr15:92,998,551, G>C. VCF-style: chr15-92998551-G-C. GRCh37 (hg19) VCF-style: chr15-93541781-G-C.
Other names: short protein forms R1313P.
Identifiers: ClinVar variation 944804 (VCV000944804.10), dbSNP rs1131692012, ClinGen allele CA393899433.